The following is an entry in ClinVar:

ClinVar aggregate classification (germline): Benign/Likely benign. Review status: criteria provided, multiple submitters, no conflicts (2 of 4 stars). 4 submissions from 4 submitters: Benign (1); Likely benign (2). 1 of the submissions does not count toward it. Last evaluated 2026-01-16.

Conditions:
Joubert syndrome 17 (JBTS17). Identifiers: Orphanet 475, MedGen C3553264, MONDO:0013824, OMIM 614615.
Orofaciodigital syndrome type 6 (OFD6). Also called: OROFACIODIGITAL SYNDROME VI; OFDS VI; POLYDACTYLY, CLEFT LIP/PALATE OR LINGUAL LUMP, AND PSYCHOMOTOR RETARDATION; VARADI SYNDROME; VARADI-PAPP SYNDROME; Oral-facial-digital syndrome type 6. Identifiers: Orphanet 2754, MedGen C2745997, MONDO:0010176, OMIM 277170.
CPLANE1-related disorder. Also called: CPLANE1-related condition.

Allele frequency attached by ClinVar (database versions not stated): gnomAD exomes 0.00005 and 0.00027; gnomAD 0.00009 and 0.00010; TOPMed 0.00012; ExAC 0.00027.

Submissions (4):

Labcorp Genetics (formerly Invitae), Labcorp
Classification: Benign. Last evaluated: 2026-01-16. Review status: criteria provided, single submitter. Criteria: Invitae Variant Classification Sherloc (09022015). Collection method: clinical testing. Allele origin: germline.

Blueprint Genetics
Classification: Likely benign. Last evaluated: 2024-02-13. Review status: criteria provided, single submitter. Criteria: ACMG Guidelines, 2015. Collection method: clinical testing. Allele origin: germline.

Fulgent Genetics
Classification: Likely benign for Orofaciodigital syndrome type 6; Joubert syndrome 17. Last evaluated: 2021-11-10. Review status: criteria provided, single submitter. Criteria: ACMG Guidelines, 2015. Collection method: clinical testing. Allele origin: unknown.

PreventionGenetics, part of Exact Sciences
Classification: Likely benign for CPLANE1-related condition. Last evaluated: 2024-07-10. Review status: no assertion criteria provided. Collection method: clinical testing. Allele origin: germline. Not counted in ClinVar's aggregate classification.
Comment: This variant is classified as likely benign based on ACMG/AMP sequence variant interpretation guidelines (Richards et al. 2015 PMID: 25741868, with internal and published modifications).

NM_001384732.1(CPLANE1):c.5195A>G (p.Asp1732Gly)

Gene: CPLANE1 (ciliogenesis and planar polarity effector complex subunit 1; minus strand). Cytogenetic location: 5p13.2.
Variant type: single nucleotide variant.
Coding change: c.5195A>G on transcript NM_001384732.1 (MANE Select); coding-DNA position 5195, A replaced by G.
Protein change: p.Asp1732Gly; replaces aspartic acid 1732 with glycine.
Molecular consequence: missense variant.
Genome position (GRCh38, 1-based): chr5:37,182,986, T>C on the plus strand (A>G on the coding strand, the complement: CPLANE1 is on the minus strand). VCF-style: chr5-37182986-T-C. GRCh37 (hg19) VCF-style: chr5-37183088-T-C.
Other names: c.5195A>G, p.Asp1732Gly (NM_023073.4); short protein forms D1732G.
Identifiers: ClinVar variation 1653987 (VCV001653987.11), dbSNP rs756274300, ClinGen allele CA3238592.
Genomic context (GRCh38, chr5:37,182,986, plus strand): 5'-CTTATCATCCATTCCAGCAGTCTTCCTATACTGCCAAAAGTGTTTAGTGCTAAAGGAAGA[T>C]CTTCTTGAGGGTTAATATCATTGCACTGAATAGCTTTGAAAATACATCTTCTAGTTTTAA-3'
Protein context (NP_001371661.1, residues 1722-1742): IQCNDINPQE[Asp1732Gly]LPLALNTFGS